The following is an entry in ClinVar:

ClinVar aggregate classification (germline): Uncertain significance (1 of 4 stars; one submission).

Allele frequency attached by ClinVar (database versions not stated): gnomAD exomes below 0.00001.
gnomAD v4.1: 2 of 1,612,872 alleles (0.00012%); highest among the groups gnomAD compares: Admixed American, 0.0017%; no homozygotes.

Submission:

Labcorp Genetics (formerly Invitae), Labcorp
Classification: Uncertain significance. Last evaluated: 2022-08-16. Review status: criteria provided, single submitter. Criteria: Invitae Variant Classification Sherloc (09022015). Collection method: clinical testing. Allele origin: germline.
Comment: This sequence change replaces glutamine, which is neutral and polar, with arginine, which is basic and polar, at codon 547 of the FGFR3 protein (p.Gln547Arg). This variant is not present in population databases (gnomAD no frequency). This variant has not been reported in the literature in individuals affected with FGFR3-related conditions. ClinVar contains an entry for this variant (Variation ID: 1680094). Algorithms developed to predict the effect of missense changes on protein structure and function are either unavailable or do not agree on the potential impact of this missense change (SIFT: "Tolerated"; PolyPhen-2: "Probably Damaging"; Align-GVGD: "Class C0"). In summary, the available evidence is currently insufficient to determine the role of this variant in disease. Therefore, it has been classified as a Variant of Uncertain Significance.

NM_000142.5(FGFR3):c.1640A>G (p.Gln547Arg)

Gene: FGFR3 (fibroblast growth factor receptor 3; plus strand). Cytogenetic location: 4p16.3.
Variant type: single nucleotide variant.
Coding change: c.1640A>G on transcript NM_000142.5 (MANE Select); coding-DNA position 1640, A replaced by G.
Protein change: p.Gln547Arg; replaces glutamine 547 with arginine.
Molecular consequence: missense variant. On other transcripts: non-coding transcript variant (1).
Genome position (GRCh38, 1-based): chr4:1,805,664, A>G. VCF-style: chr4-1805664-A-G. GRCh37 (hg19) VCF-style: chr4-1807391-A-G.
Other names: c.1646A>G, p.Gln549Arg (NM_001163213.2); c.1643A>G, p.Gln548Arg (NM_001354809.2, NM_001354810.2); c.1304A>G, p.Gln435Arg (NM_022965.4); short protein forms Q435R, Q547R, Q548R, Q549R.
Identifiers: ClinVar variation 1680094 (VCV001680094.9), dbSNP rs2108803678, ClinGen allele CA355981620.
Genomic context (GRCh38, chr4:1,805,664, plus strand): 5'-AGATGATGAAGATGATCGGGAAACACAAAAACATCATCAACCTGCTGGGCGCCTGCACGC[A>G]GGGCGGTAGGTGCGGTAGCGGCGGTGGTGCCGGCTGGGCGGCCCTCCTGGGCCTGGCAGC-3'
Protein context (NP_000133.1, residues 537-557): NIINLLGACT[Gln547Arg]GGPLYVLVEY